The following is an entry in ClinVar:

NM_012203.2(GRHPR):c.325_326del (p.Asp109fs)

Gene: GRHPR (glyoxylate and hydroxypyruvate reductase; plus strand). Cytogenetic location: 9p13.2.
Variant type: Deletion.
Coding change: c.325_326del on transcript NM_012203.2 (MANE Select); coding-DNA positions 325 to 326, 2 bases deleted (GA; older notation c.325_326delGA).
Protein change: p.Asp109fs; shifts the reading frame from aspartic acid 109.
Molecular consequence: frameshift variant.
Genome position (GRCh38, 1-based): chr9:37,426,575-37,426,576, GA deleted; deleting any 2 consecutive bases within chr9:37,426,574-37,426,576 gives the same sequence; the c. name uses the placement nearest the transcript's 3' end. VCF-style (leftmost placement, unchanged base first): chr9-37426573-CAG-C. GRCh37 (hg19) VCF-style: chr9-37426570-CAG-C.
Other names: short protein forms D109fs.
Identifiers: ClinVar variation 4815553 (VCV004815553.2).
Genomic context (GRCh38, chr9:37,426,573, plus strand): 5'-TTACCACCAGATGTCTGATTCGTAGTGGGATCCGAGTTGGCTACACCCCAGATGTCCTGA[CAG>C]ATACCACCGCCGAACTCGCAGTCTCCCTGCTACTTACCACCTGCCGCCGGTTGCCGGAGG-3'

ClinVar aggregate classification (germline): Likely pathogenic (1 of 4 stars; one submission).

Conditions:
Primary hyperoxaluria, type II (HP2). Also called: D-GLYCERATE DEHYDROGENASE DEFICIENCY; GLYCERIC ACIDURIA; GLYOXYLATE REDUCTASE/HYDROXYPYRUVATE REDUCTASE DEFICIENCY; OXALOSIS II; Primary hyperoxaluria type 2. Identifiers: Orphanet 416, Orphanet 93599, MedGen C0268165, MONDO:0009824, OMIM 260000. Disease mechanism: loss of function.

Submission:

Natera, Inc.
Classification: Likely pathogenic for Primary hyperoxaluria type II. Last evaluated: 2026-01-21. Review status: criteria provided, single submitter. Criteria: Natera Variant Classification Schema (03/2026). Collection method: clinical testing. Allele origin: germline.
Comment: The c.325_326del variant in GRHPR is a frameshift variant predicted to shift the reading frame beginning at codon 109 and leads to a stop codon 81 codons downstream. This variant is expected to result in nonsense mediated decay, truncation, or a dysfunctional protein product. This variant is rare in the general population with a frequency below the threshold expected for the associated phenotype(s). Given the available evidence, this variant is classified as Likely Pathogenic.